The following is an entry in ClinVar:

NM_001376.5(DYNC1H1):c.7242+5G>A

Gene: DYNC1H1 (dynein cytoplasmic 1 heavy chain 1; plus strand). Cytogenetic location: 14q32.31.
Variant type: single nucleotide variant.
Coding change: c.7242+5G>A on transcript NM_001376.5 (MANE Select); 5 bases into the intron after coding-DNA position 7242, G replaced by A.
Molecular consequence: intron variant.
Genome position (GRCh38, 1-based): chr14:102,015,337, G>A. VCF-style: chr14-102015337-G-A. GRCh37 (hg19) VCF-style: chr14-102481674-G-A.
Identifiers: ClinVar variation 569418 (VCV000569418.6), dbSNP rs770870431, ClinGen allele CA7352765.

ClinVar aggregate classification (germline): Uncertain significance (1 of 4 stars; one submission).

Conditions:
Charcot-Marie-Tooth disease axonal type 2O. Also called: CHARCOT-MARIE-TOOTH NEUROPATHY, AXONAL, TYPE 2O; CHARCOT-MARIE-TOOTH DISEASE, AXONAL, AUTOSOMAL DOMINANT, TYPE 2O; Charcot-Marie-Tooth Neuropathy Type 2O; Charcot-Marie-Tooth disease, axonal, type 20. Identifiers: Orphanet 284232, MedGen C3280220, MONDO:0013644, OMIM 614228.

Allele frequency attached by ClinVar (database versions not stated): TOPMed below 0.00001; ExAC 0.00001; gnomAD exomes 0.00001.
gnomAD v4.1: 9 of 1,607,000 alleles (0.00056%); highest among the groups gnomAD compares: South Asian, 0.0044%; no homozygotes.

Submission:

Labcorp Genetics (formerly Invitae), Labcorp
Classification: Uncertain significance for Charcot-Marie-Tooth disease axonal type 2O. Last evaluated: 2025-02-02. Review status: criteria provided, single submitter. Criteria: Invitae Variant Classification Sherloc (09022015). Collection method: clinical testing. Allele origin: germline.
Comment: This sequence change falls in intron 35 of the DYNC1H1 gene. It does not directly change the encoded amino acid sequence of the DYNC1H1 protein. It affects a nucleotide within the consensus splice site. This variant is present in population databases (rs770870431, gnomAD 0.01%). This variant has not been reported in the literature in individuals affected with DYNC1H1-related conditions. ClinVar contains an entry for this variant (Variation ID: 569418). Variants that disrupt the consensus splice site are a relatively common cause of aberrant splicing (PMID: 17576681, 9536098). Algorithms developed to predict the effect of sequence changes on RNA splicing suggest that this variant may create or strengthen a splice site. In summary, the available evidence is currently insufficient to determine the role of this variant in disease. Therefore, it has been classified as a Variant of Uncertain Significance.

Literature cited by the submitters: PubMed 17576681; PubMed 9536098.